The following is an entry in ClinVar:

ClinVar aggregate classification (germline): Uncertain significance (1 of 4 stars; one submission).

Conditions:
Developmental and epileptic encephalopathy, 37 (DEE37). Also called: Epileptic encephalopathy, early infantile, 37. Identifiers: MedGen C4310770, MONDO:0014859, OMIM 616981.

Allele frequency attached by ClinVar (database versions not stated): ExAC below 0.00001.
gnomAD v4.1: 20 of 1,375,152 alleles (0.0015%); highest among the groups gnomAD compares: Non-Finnish European, 0.0019%; no homozygotes.

Submission:

Labcorp Genetics (formerly Invitae), Labcorp
Classification: Uncertain significance for Developmental and epileptic encephalopathy, 37. Last evaluated: 2021-09-01. Review status: criteria provided, single submitter. Criteria: Invitae Variant Classification Sherloc (09022015). Collection method: clinical testing. Allele origin: germline.
Comment: This sequence change replaces arginine with cysteine at codon 20 of the FRRS1L protein (p.Arg20Cys). The arginine residue is weakly conserved and there is a large physicochemical difference between arginine and cysteine. The frequency data for this variant in the population databases is considered unreliable, as metrics indicate poor data quality at this position in the ExAC database. This variant has not been reported in the literature in individuals affected with FRRS1L-related conditions. In summary, the available evidence is currently insufficient to determine the role of this variant in disease. Therefore, it has been classified as a Variant of Uncertain Significance.

NM_014334.4(FRRS1L):c.-96C>T

Gene: FRRS1L (ferric chelate reductase 1 like; minus strand). Cytogenetic location: 9q31.3.
Variant type: single nucleotide variant.
Coding change: c.-96C>T on transcript NM_014334.4 (MANE Select); 96 bases upstream of the start codon, C replaced by T.
Molecular consequence: 5 prime UTR variant.
Genome position (GRCh38, 1-based): chr9:109,167,234, G>A on the plus strand (C>T on the coding strand, the complement: FRRS1L is on the minus strand). VCF-style: chr9-109167234-G-A. GRCh37 (hg19) VCF-style: chr9-111929514-G-A.
Identifiers: ClinVar variation 952049 (VCV000952049.7), dbSNP rs542485399, ClinGen allele CA5177499.